The following is an entry in ClinVar:

NM_001098511.3(KIF2A):c.1706G>C (p.Arg569Pro)

Gene: KIF2A (kinesin family member 2A; plus strand). Cytogenetic location: 5q12.1.
Variant type: single nucleotide variant.
Coding change: c.1706G>C on transcript NM_001098511.3 (MANE Select); coding-DNA position 1706, G replaced by C.
Protein change: p.Arg569Pro; replaces arginine 569 with proline.
Molecular consequence: missense variant. On other transcripts: intron variant (3).
Genome position (GRCh38, 1-based): chr5:62,372,497, G>C. VCF-style: chr5-62372497-G-C. GRCh37 (hg19) VCF-style: chr5-61668324-G-C.
Other names: c.1566-1190G>C (NM_001243952.2); c.1647-1190G>C (NM_004520.5); c.1590-1190G>C (NM_001243953.2); short protein forms R569P.
Identifiers: ClinVar variation 1413113 (VCV001413113.8), dbSNP rs780183716, ClinGen allele CA359952249.

ClinVar aggregate classification (germline): Uncertain significance (1 of 4 stars; one submission).

Submission:

Labcorp Genetics (formerly Invitae), Labcorp
Classification: Uncertain significance. Last evaluated: 2022-12-25. Review status: criteria provided, single submitter. Criteria: Invitae Variant Classification Sherloc (09022015). Collection method: clinical testing. Allele origin: germline.
Comment: This sequence change replaces arginine, which is basic and polar, with proline, which is neutral and non-polar, at codon 569 of the KIF2A protein (p.Arg569Pro). This variant is not present in population databases (gnomAD no frequency). This variant has not been reported in the literature in individuals affected with KIF2A-related conditions. ClinVar contains an entry for this variant (Variation ID: 1413113). Algorithms developed to predict the effect of missense changes on protein structure and function are either unavailable or do not agree on the potential impact of this missense change (SIFT: "Deleterious"; PolyPhen-2: "Benign"; Align-GVGD: "Class C0"). In summary, the available evidence is currently insufficient to determine the role of this variant in disease. Therefore, it has been classified as a Variant of Uncertain Significance.